The following is an entry in ClinVar:

ClinVar aggregate classification (germline): Conflicting classifications of pathogenicity. Review status: criteria provided, conflicting classifications (1 of 4 stars). 3 submissions from 3 submitters: Uncertain significance (2); Likely benign (1). Last evaluated 2025-03-11.

Conditions:
Hereditary cancer-predisposing syndrome. Also called: Hereditary Cancer Syndrome; Hereditary neoplastic syndrome; Neoplastic Syndromes, Hereditary; Tumor predisposition. Identifiers: Orphanet 140162, MedGen C0027672, MeSH D009386, MONDO:0015356.
Ataxia-telangiectasia syndrome (AT). Also called: Ataxia-telangiectasia, complementation group E; LOUIS-BAR SYNDROME; Cerebello-oculocutaneous telangiectasia; Immunodeficiency with ataxia telangiectasia; Ataxia-telangiectasia, complementation group D; AT, COMPLEMENTATION GROUP C. Identifiers: Orphanet 100, MedGen C0004135, MONDO:0008840, OMIM 208900.

Allele frequency attached by ClinVar (database versions not stated): gnomAD exomes below 0.00001; ExAC 0.00001; gnomAD 0.00001; 1000 Genomes Project 30x 0.00016; 1000 Genomes Project 0.00020.
gnomAD v4.1: 3 of 1,613,866 alleles (0.00019%); highest among the groups gnomAD compares: African/African-American, 0.0027%; no homozygotes.

Submissions (3):

Labcorp Genetics (formerly Invitae), Labcorp
Classification: Uncertain significance for Ataxia-telangiectasia syndrome. Last evaluated: 2025-03-11. Review status: criteria provided, single submitter. Criteria: Invitae Variant Classification Sherloc (09022015). Collection method: clinical testing. Allele origin: germline.
Comment: This sequence change replaces serine, which is neutral and polar, with alanine, which is neutral and non-polar, at codon 1635 of the ATM protein (p.Ser1635Ala). This variant is present in population databases (rs535266558, gnomAD 0.007%). This variant has not been reported in the literature in individuals affected with ATM-related conditions. ClinVar contains an entry for this variant (Variation ID: 920958). Invitae Evidence Modeling of protein sequence and biophysical properties (such as structural, functional, and spatial information, amino acid conservation, physicochemical variation, residue mobility, and thermodynamic stability) indicates that this missense variant is not expected to disrupt ATM protein function with a negative predictive value of 95%. In summary, the available evidence is currently insufficient to determine the role of this variant in disease. Therefore, it has been classified as a Variant of Uncertain Significance.

Ambry Genetics
Classification: Likely benign for Hereditary cancer-predisposing syndrome. Last evaluated: 2025-02-28. Review status: criteria provided, single submitter. Criteria: Ambry Variant Classification Scheme 2023. Collection method: clinical testing. Allele origin: germline.

Color Diagnostics, LLC DBA Color Health
Classification: Uncertain significance for Hereditary cancer-predisposing syndrome. Last evaluated: 2023-12-04. Review status: criteria provided, single submitter. Criteria: ACMG Guidelines, 2015. Collection method: clinical testing. Allele origin: germline.
Comment: This missense variant replaces serine with alanine at codon 1635 of the ATM protein. Computational prediction suggests that this variant may not impact protein structure and function (internally defined REVEL score threshold <= 0.5, PMID: 27666373). To our knowledge, functional studies have not been reported for this variant. This variant has not been reported in individuals affected with ATM-related disorders in the literature. This variant has been identified in 1/251356 chromosomes in the general population by the Genome Aggregation Database (gnomAD). The available evidence is insufficient to determine the role of this variant in disease conclusively. Therefore, this variant is classified as a Variant of Uncertain Significance.

NM_000051.4(ATM):c.4903T>G (p.Ser1635Ala)

Gene: ATM (ATM serine/threonine kinase; plus strand). Cytogenetic location: 11q22.3.
Variant type: single nucleotide variant.
Coding change: c.4903T>G on transcript NM_000051.4 (MANE Select); coding-DNA position 4903, T replaced by G.
Protein change: p.Ser1635Ala; replaces serine 1635 with alanine.
Molecular consequence: missense variant.
Genome position (GRCh38, 1-based): chr11:108,295,053, T>G. VCF-style: chr11-108295053-T-G. GRCh37 (hg19) VCF-style: chr11-108165780-T-G.
Other names: c.4903T>G, p.Ser1635Ala (NM_001351834.2); short protein forms S1635A.
Identifiers: ClinVar variation 920958 (VCV000920958.8), dbSNP rs535266558, ClinGen allele CA6265569.